The following is an entry in ClinVar:

ClinVar aggregate classification (germline): Uncertain significance (1 of 4 stars; one submission).

Conditions:
Cardiovascular phenotype. Identifiers: MedGen CN230736.

Submission:

Ambry Genetics
Classification: Uncertain significance for Cardiovascular phenotype. Last evaluated: 2026-07-13. Review status: criteria provided, single submitter. Criteria: Ambry Variant Classification Scheme 2023. Collection method: clinical testing. Allele origin: germline.
Comment: The p.Q4126R variant (also known as c.12377A>G), located in coding exon 22 of the ALMS1 gene, results from an A to G substitution at nucleotide position 12377. The glutamine at codon 4126 is replaced by arginine, an amino acid with highly similar properties. This amino acid position is highly conserved in available vertebrate species. In addition, the in silico prediction for this alteration is inconclusive. Based on the available evidence, the clinical significance of this variant remains unclear.

NM_001378454.1(ALMS1):c.12374A>G (p.Gln4125Arg)

Gene: ALMS1 (ALMS1 centrosome and basal body associated protein; plus strand). Cytogenetic location: 2p13.1.
Variant type: single nucleotide variant.
Coding change: c.12374A>G on transcript NM_001378454.1 (MANE Select); coding-DNA position 12374, A replaced by G.
Protein change: p.Gln4125Arg; replaces glutamine 4125 with arginine.
Molecular consequence: missense variant.
Genome position (GRCh38, 1-based): chr2:73,608,486, A>G. VCF-style: chr2-73608486-A-G. GRCh37 (hg19) VCF-style: chr2-73835613-A-G.
Other names: c.12377A>G, p.Gln4126Arg (NM_015120.4); short protein forms Q4126R, Q4125R.
Identifiers: ClinVar variation 5035850 (VCV005035850.1).
Genomic context (GRCh38, chr2:73,608,486, plus strand): 5'-CCCTGGTAACCTCCCCGATTTCTGTCCTTTCACTGGTGCCATTTCTAAGGATTTATGAGC[A>G]GCTTCCAGAAGTACAGAAAAAGAGAGAAGAAGAGAAGAGAAAATCAGAATATAAGTCATA-3'
Protein context (NP_001365383.1, residues 4115-4135): MIQRSKRIYE[Gln4125Arg]LPEVQKKREE